The following is an entry in ClinVar:

ClinVar aggregate classification (germline): Uncertain significance (1 of 4 stars; one submission).

Allele frequency attached by ClinVar (database versions not stated): ExAC 0.00001.

Submission:

Labcorp Genetics (formerly Invitae), Labcorp
Classification: Uncertain significance. Last evaluated: 2022-09-25. Review status: criteria provided, single submitter. Criteria: Invitae Variant Classification Sherloc (09022015). Collection method: clinical testing. Allele origin: germline.
Comment: In summary, the available evidence is currently insufficient to determine the role of this variant in disease. Therefore, it has been classified as a Variant of Uncertain Significance. Algorithms developed to predict the effect of missense changes on protein structure and function (SIFT, PolyPhen-2, Align-GVGD) all suggest that this variant is likely to be disruptive. This variant has not been reported in the literature in individuals affected with DIABLO-related conditions. This variant is present in population databases (rs779372275, gnomAD 0.0009%). This sequence change replaces alanine, which is neutral and non-polar, with valine, which is neutral and non-polar, at codon 168 of the DIABLO protein (p.Ala168Val).

NM_001371333.1(DIABLO):c.503C>T (p.Ala168Val)

Gene: DIABLO (diablo IAP-binding mitochondrial protein; minus strand). Cytogenetic location: 12q24.31.
Variant type: single nucleotide variant.
Coding change: c.503C>T on transcript NM_001371333.1 (MANE Select); coding-DNA position 503, C replaced by T.
Protein change: p.Ala168Val; replaces alanine 168 with valine.
Molecular consequence: missense variant.
Genome position (GRCh38, 1-based): chr12:122,216,508, G>A on the plus strand (C>T on the coding strand, the complement: DIABLO is on the minus strand). VCF-style: chr12-122216508-G-A. GRCh37 (hg19) VCF-style: chr12-122701055-G-A.
Other names: c.212C>T, p.Ala71Val (NM_001278302.1); c.284C>T, p.Ala95Val (NM_001278303.1); c.344C>T, p.Ala115Val (NM_001278304.2, NM_138930.3); c.371C>T, p.Ala124Val (NM_001278342.1); c.503C>T, p.Ala168Val (NM_019887.6); short protein forms A168V, A95V, A124V, A71V, A115V.
Identifiers: ClinVar variation 2032605 (VCV002032605.4), dbSNP rs779372275, ClinGen allele CA6843891.